The following is an entry in ClinVar:

NM_001875.5(CPS1):c.3927+5C>A

Gene: CPS1 (carbamoyl-phosphate synthase 1; plus strand). Cytogenetic location: 2q34.
Variant type: single nucleotide variant.
Coding change: c.3927+5C>A on transcript NM_001875.5 (MANE Select); 5 bases into the intron after coding-DNA position 3927, C replaced by A.
Molecular consequence: intron variant.
Genome position (GRCh38, 1-based): chr2:210,660,660, C>A. VCF-style: chr2-210660660-C-A. GRCh37 (hg19) VCF-style: chr2-211525384-C-A.
Other names: c.3927+5C>A (NM_001369257.1, NM_001122633.3); c.3960+5C>A (NM_001369256.1).
Identifiers: ClinVar variation 1909268 (VCV001909268.5), dbSNP rs1292309793, ClinGen allele CA539390389.
Genomic context (GRCh38, chr2:210,660,660, plus strand): 5'-AACATCTTCCAACATTGGACCATCCCATAATTCCTGCTGACTATGTTGCAATTAAGGTAA[C>A]ATTTTCAAAAATTTATTAGTCATTTTATGAGTTCTAGTGAAATTAAAAGAACAATTTGTC-3'

ClinVar aggregate classification (germline): Uncertain significance (1 of 4 stars; one submission).

Conditions:
Congenital hyperammonemia, type I. Also called: CPS I DEFICIENCY; Carbamoyl-phosphate synthase I deficiency; Carbamoyl phosphate synthetase I deficiency disease; Carbamoyl phosphate synthetase 1 deficiency; Hyperammonemia due to carbamoyl phosphate synthetase 1 deficiency; CPS 1 deficiency. Identifiers: Orphanet 147, MedGen C4082171, MONDO:0009376, OMIM 237300.

Allele frequency attached by ClinVar (database versions not stated): gnomAD exomes below 0.00001.

Submission:

Labcorp Genetics (formerly Invitae), Labcorp
Classification: Uncertain significance for Congenital hyperammonemia, type I. Last evaluated: 2022-06-13. Review status: criteria provided, single submitter. Criteria: Invitae Variant Classification Sherloc (09022015). Collection method: clinical testing. Allele origin: germline.
Comment: In summary, the available evidence is currently insufficient to determine the role of this variant in disease. Therefore, it has been classified as a Variant of Uncertain Significance. Variants that disrupt the consensus splice site are a relatively common cause of aberrant splicing (PMID: 17576681, 9536098). Algorithms developed to predict the effect of sequence changes on RNA splicing suggest that this variant is not likely to affect RNA splicing. This variant has not been reported in the literature in individuals affected with CPS1-related conditions. This variant is present in population databases (no rsID available, gnomAD 0.003%). This sequence change falls in intron 32 of the CPS1 gene. It does not directly change the encoded amino acid sequence of the CPS1 protein. It affects a nucleotide within the consensus splice site.

Literature cited by the submitters: PubMed 17576681; PubMed 9536098.